The following is an entry in ClinVar:

NM_144508.5(KNL1):c.3579del (p.Gly1194fs)

Gene: KNL1 (kinetochore scaffold 1; plus strand). Cytogenetic location: 15q15.1.
Variant type: Deletion.
Coding change: c.3579del on transcript NM_144508.5 (MANE Select); coding-DNA position 3579, one base deleted (A; older notation c.3579delA).
Protein change: p.Gly1194fs; shifts the reading frame from glycine 1194.
Molecular consequence: frameshift variant.
Genome position (GRCh38, 1-based): chr15:40,623,843, A deleted; the last of 4 consecutive A bases (chr15:40,623,840-40,623,843); deleting any one gives the same sequence. VCF-style (leftmost placement, unchanged base first): chr15-40623839-GA-G. GRCh37 (hg19) VCF-style: chr15-40916037-GA-G.
Other names: c.3657del, p.Gly1220fs (NM_170589.5); c.3657delA (NM_170589.3); c.3657del (NM_170589.3); short protein forms G1194fs, G1220fs.
Identifiers: ClinVar variation 1201481 (VCV001201481.6), dbSNP rs1397090015, ClinGen allele CA617557858.

ClinVar aggregate classification (germline): Likely pathogenic (1 of 4 stars; one submission).

Submission:

GeneDx
Classification: Likely pathogenic. Last evaluated: 2025-11-13. Review status: criteria provided, single submitter. Criteria: GeneDx Variant Classification Process June 2021. Collection method: clinical testing. Allele origin: germline. Affected: yes.
Comment: Frameshift variant predicted to result in protein truncation or nonsense mediated decay in a gene for which loss-of-function is a known mechanism of disease; Not observed at significant frequency in large population cohorts (gnomAD); Has not been previously published as pathogenic or benign to our knowledge